The following is an entry in ClinVar:

ClinVar aggregate classification (germline): Uncertain significance (1 of 4 stars; one submission).

Conditions:
Aicardi-Goutieres syndrome 3. Identifiers: Orphanet 51, MedGen C1835916, MONDO:0012471, OMIM 610329.

Allele frequency attached by ClinVar (database versions not stated): gnomAD 0.00001; ExAC 0.00002; gnomAD exomes below 0.00001; TOPMed 0.00002.

Submission:

Labcorp Genetics (formerly Invitae), Labcorp
Classification: Uncertain significance for Aicardi-Goutieres syndrome 3. Last evaluated: 2026-01-05. Review status: criteria provided, single submitter. Criteria: Invitae Variant Classification Sherloc (09022015). Collection method: clinical testing. Allele origin: germline.
Comment: This sequence change replaces alanine, which is neutral and non-polar, with valine, which is neutral and non-polar, at codon 24 of the RNASEH2C protein (p.Ala24Val). The frequency data for this variant in the population databases is considered unreliable, as metrics indicate poor data quality at this position in the gnomAD database. This variant has not been reported in the literature in individuals affected with RNASEH2C-related conditions. ClinVar contains an entry for this variant (Variation ID: 2827790). An algorithm developed to predict the effect of missense changes on protein structure and function (PolyPhen-2) suggests that this variant is likely to be disruptive. In summary, the available evidence is currently insufficient to determine the role of this variant in disease. Therefore, it has been classified as a Variant of Uncertain Significance.

NM_032193.4(RNASEH2C):c.71C>T (p.Ala24Val)

Genes: RNASEH2C (ribonuclease H2 subunit C; minus strand), LOC130006061 (ATAC-STARR-seq lymphoblastoid silent region 3553; plus strand). Cytogenetic location: 11q13.1.
Variant type: single nucleotide variant.
Coding change: c.71C>T on transcript NM_032193.4 (MANE Select); coding-DNA position 71, C replaced by T.
Protein change: p.Ala24Val; replaces alanine 24 with valine.
Molecular consequence: missense variant.
Genome position (GRCh38, 1-based): chr11:65,720,688, G>A on the plus strand (C>T on the coding strand, the complement: RNASEH2C is on the minus strand). VCF-style: chr11-65720688-G-A. GRCh37 (hg19) VCF-style: chr11-65488159-G-A.
Other names: short protein forms A24V.
Identifiers: ClinVar variation 2827790 (VCV002827790.2), dbSNP rs779399624, ClinGen allele CA6107837.